The following is an entry in ClinVar:

ClinVar aggregate classification (germline): Uncertain significance (1 of 4 stars; one submission).

Allele frequency attached by ClinVar (database versions not stated): TOPMed 0.00001.
gnomAD v4.1: 2 of 1,613,994 alleles (0.00012%); highest among the groups gnomAD compares: African/African-American, 0.0013%; no homozygotes.

Submission:

Labcorp Genetics (formerly Invitae), Labcorp
Classification: Uncertain significance. Last evaluated: 2023-04-09. Review status: criteria provided, single submitter. Criteria: Invitae Variant Classification Sherloc (09022015). Collection method: clinical testing. Allele origin: germline.
Comment: This variant is not present in population databases (gnomAD no frequency). This sequence change replaces isoleucine, which is neutral and non-polar, with valine, which is neutral and non-polar, at codon 517 of the CYFIP2 protein (p.Ile517Val). This variant has not been reported in the literature in individuals affected with CYFIP2-related conditions. Experimental studies and prediction algorithms are not available or were not evaluated, and the functional significance of this variant is currently unknown. In summary, the available evidence is currently insufficient to determine the role of this variant in disease. Therefore, it has been classified as a Variant of Uncertain Significance.

NM_001037333.3(CYFIP2):c.1549A>G (p.Ile517Val)

Gene: CYFIP2 (cytoplasmic FMR1 interacting protein 2; plus strand). Cytogenetic location: 5q33.3.
Variant type: single nucleotide variant.
Coding change: c.1549A>G on transcript NM_001037333.3 (MANE Select); coding-DNA position 1549, A replaced by G.
Protein change: p.Ile517Val; replaces isoleucine 517 with valine.
Molecular consequence: missense variant.
Genome position (GRCh38, 1-based): chr5:157,320,680, A>G. VCF-style: chr5-157320680-A-G. GRCh37 (hg19) VCF-style: chr5-156747688-A-G.
Other names: c.1471A>G, p.Ile491Val (NM_001291721.2); c.1549A>G, p.Ile517Val (NM_001291722.2, NM_014376.4); short protein forms I491V, I517V.
Identifiers: ClinVar variation 2878892 (VCV002878892.3), dbSNP rs895353962, ClinGen allele CA130173901.